The following is an entry in ClinVar:

ClinVar aggregate classification (germline): Uncertain significance. Review status: criteria provided, multiple submitters, no conflicts (2 of 4 stars). 2 submissions from 2 submitters: Uncertain significance (2). Last evaluated 2025-11-17.

Conditions:
Hereditary cancer-predisposing syndrome. Also called: Hereditary Cancer Syndrome; Hereditary neoplastic syndrome; Neoplastic Syndromes, Hereditary; Tumor predisposition. Identifiers: Orphanet 140162, MedGen C0027672, MeSH D009386, MONDO:0015356.
Hereditary breast ovarian cancer syndrome. Also called: Hereditary breast and ovarian cancer syndrome (HBOC); Hereditary breast and ovarian cancer syndrome; Breast and ovarian cancer; Hereditary breast and/or ovarian cancer syndrome; Hereditary breast and ovarian cancer; BRCA1- and BRCA2-Associated Hereditary Breast and Ovarian Cancer. Identifiers: Orphanet 145, MedGen C0677776, MeSH D061325, MONDO:0003582. Disease mechanism: loss of function.

Submissions (2):

Labcorp Genetics (formerly Invitae), Labcorp
Classification: Uncertain significance for Hereditary breast ovarian cancer syndrome. Last evaluated: 2025-11-17. Review status: criteria provided, single submitter. Criteria: Invitae Variant Classification Sherloc (09022015). Collection method: clinical testing. Allele origin: germline.
Comment: This sequence change replaces lysine, which is basic and polar, with glutamic acid, which is acidic and polar, at codon 1487 of the BRCA1 protein (p.Lys1487Glu). This variant is not present in population databases (gnomAD no frequency). This missense change has been observed in individual(s) with breast and/or ovarian cancer (PMID: 30725392). ClinVar contains an entry for this variant (Variation ID: 1740750). Invitae Evidence Modeling of protein sequence and biophysical properties (such as structural, functional, and spatial information, amino acid conservation, physicochemical variation, residue mobility, and thermodynamic stability) indicates that this missense variant is not expected to disrupt BRCA1 protein function with a negative predictive value of 95%. In summary, the available evidence is currently insufficient to determine the role of this variant in disease. Therefore, it has been classified as a Variant of Uncertain Significance.

Ambry Genetics
Classification: Uncertain significance for Hereditary cancer-predisposing syndrome. Last evaluated: 2024-06-24. Review status: criteria provided, single submitter. Criteria: Ambry Variant Classification Scheme 2023. Collection method: clinical testing. Allele origin: germline.
Comment: The p.K1487E variant (also known as c.4459A>G), located in coding exon 12 of the BRCA1 gene, results from an A to G substitution at nucleotide position 4459. The lysine at codon 1487 is replaced by glutamic acid, an amino acid with similar properties. This amino acid position is not well conserved in available vertebrate species. In addition, this alteration is predicted to be tolerated by in silico analysis. Based on the available evidence, the clinical significance of this variant remains unclear.

Literature cited by the submitters: PubMed 30725392 (cited by Labcorp Genetics (formerly Invitae), Labcorp).

NM_007294.4(BRCA1):c.4459A>G (p.Lys1487Glu)

Gene: BRCA1 (BRCA1 DNA repair associated; minus strand). Cytogenetic location: 17q21.31.
Variant type: single nucleotide variant.
Coding change: c.4459A>G on transcript NM_007294.4 (MANE Select); coding-DNA position 4459, A replaced by G.
Protein change: p.Lys1487Glu; replaces lysine 1487 with glutamic acid.
Molecular consequence: missense variant. On other transcripts: non-coding transcript variant (1).
Genome position (GRCh38, 1-based): chr17:43,076,513, T>C on the plus strand (A>G on the coding strand, the complement: BRCA1 is on the minus strand). VCF-style: chr17-43076513-T-C. GRCh37 (hg19) VCF-style: chr17-41228530-T-C.
Other names: c.4375A>G, p.Lys1459Glu (NM_001407659.1, NM_001407660.1, NM_001407661.1 and 2 more transcripts); c.4453A>G, p.Lys1485Glu (NM_001407639.1, NM_001407640.1, NM_001407641.1 and 14 more transcripts); c.4450A>G, p.Lys1484Glu (NM_001407644.1, NM_001407645.1); c.4447A>G, p.Lys1483Glu (NM_001407646.1); c.4444A>G, p.Lys1482Glu (NM_001407647.1); c.4402A>G, p.Lys1468Glu (NM_001407648.1); c.4399A>G, p.Lys1467Glu (NM_001407649.1); c.4459A>G, p.Lys1487Glu (NM_001407652.1, NM_001407684.1, NM_001407854.1 and 8 more transcripts); and 68 more; short protein forms K1439E, K1443E, K1467E, K1468E, K1482E, K1507E, K294E, K313E.
Identifiers: ClinVar variation 1740750 (VCV001740750.4), dbSNP rs2551632332, ClinGen allele CA10592617.